The following is an entry in ClinVar:

NM_002734.5(PRKAR1A):c.402G>C (p.Lys134Asn)

Gene: PRKAR1A (protein kinase cAMP-dependent type I regulatory subunit alpha; plus strand). Cytogenetic location: 17q24.2.
Variant type: single nucleotide variant.
Coding change: c.402G>C on transcript NM_002734.5 (MANE Select); coding-DNA position 402, G replaced by C.
Protein change: p.Lys134Asn; replaces lysine 134 with asparagine.
Molecular consequence: missense variant.
Genome position (GRCh38, 1-based): chr17:68,523,778, G>C. VCF-style: chr17-68523778-G-C. GRCh37 (hg19) VCF-style: chr17-66519919-G-C.
Other names: c.402G>C (NM_002734.3); c.402G>C, p.Lys134Asn (NM_001276289.2, NM_001276290.1, NM_001278433.2 and 4 more transcripts); short protein forms K134N.
Identifiers: ClinVar variation 2912365 (VCV002912365.4), dbSNP rs1383865866, ClinGen allele CA400752664.
Genomic context (GRCh38, chr17:68,523,778, plus strand): 5'-TTTCTAGGTTATACCAAAAGATTACAAGACAATGGCCGCTTTAGCCAAAGCCATTGAAAA[G>C]AATGTGCTGTTTTCACATCTTGATGATAATGAGAGAAGGTAGGAACAGGCTCTTTCTTAA-3'
Protein context (NP_002725.1, residues 124-144): TMAALAKAIE[Lys134Asn]NVLFSHLDDN

ClinVar aggregate classification (germline): Uncertain significance. Review status: criteria provided, multiple submitters, no conflicts (2 of 4 stars). 2 submissions from 2 submitters: Uncertain significance (2). Last evaluated 2026-07-06.

Conditions:
Carney complex, type 1 (CNC1). Also called: CARNEY MYXOMA-ENDOCRINE COMPLEX; CARNEY COMPLEX, TYPE I. Identifiers: Orphanet 1359, MedGen C2607929, MONDO:0008057, OMIM 160980.
Hereditary cancer-predisposing syndrome. Also called: Hereditary Cancer Syndrome; Hereditary neoplastic syndrome; Neoplastic Syndromes, Hereditary; Tumor predisposition. Identifiers: Orphanet 140162, MedGen C0027672, MeSH D009386, MONDO:0015356.

Submissions (2):

Ambry Genetics
Classification: Uncertain significance for Hereditary cancer-predisposing syndrome. Last evaluated: 2026-07-06. Review status: criteria provided, single submitter. Criteria: Ambry Variant Classification Scheme 2023. Collection method: clinical testing. Allele origin: germline.
Comment: The p.K134N variant (also known as c.402G>C), located in coding exon 3 of the PRKAR1A gene, results from a G to C substitution at nucleotide position 402. The lysine at codon 134 is replaced by asparagine, an amino acid with similar properties. This amino acid position is conserved. In addition, the in silico prediction for this alteration is inconclusive. Based on the available evidence, the clinical significance of this variant remains unclear.

Labcorp Genetics (formerly Invitae), Labcorp
Classification: Uncertain significance for Carney complex, type 1. Last evaluated: 2023-12-19. Review status: criteria provided, single submitter. Criteria: Invitae Variant Classification Sherloc (09022015). Collection method: clinical testing. Allele origin: germline.
Comment: This sequence change replaces lysine, which is basic and polar, with asparagine, which is neutral and polar, at codon 134 of the PRKAR1A protein (p.Lys134Asn). This variant is not present in population databases (gnomAD no frequency). This variant has not been reported in the literature in individuals affected with PRKAR1A-related conditions. Advanced modeling of protein sequence and biophysical properties (such as structural, functional, and spatial information, amino acid conservation, physicochemical variation, residue mobility, and thermodynamic stability) performed at Invitae indicates that this missense variant is not expected to disrupt PRKAR1A protein function with a negative predictive value of 80%. In summary, the available evidence is currently insufficient to determine the role of this variant in disease. Therefore, it has been classified as a Variant of Uncertain Significance.